The following is an entry in ClinVar:

ClinVar aggregate classification (germline): Pathogenic (1 of 4 stars; one submission).

Conditions:
X-linked immunodeficiency with magnesium defect, Epstein-Barr virus infection and neoplasia. Identifiers: Orphanet 317476, MedGen C3275445, MONDO:0010455, OMIM 300853.

Submission:

Next Generation Genetic Polyclinic
Classification: Pathogenic for X-linked immunodeficiency with magnesium defect, Epstein-Barr virus infection and neoplasia. Last evaluated: 2025-05-19. Review status: criteria provided, single submitter. Criteria: ACMG Guidelines, 2015. Collection method: clinical testing. Allele origin: germline. Affected: yes. Observed: 1 variant allele.
Comment: The NM_001367916.1:c.493C>T variant in the MAGT1 gene introduces a premature stop codon (p.Arg165Ter), likely resulting in truncated or absent MAGT1 protein due to nonsense-mediated decay. MAGT1 encodes a magnesium transporter involved in immune cell signaling and N-glycosylation. Loss-of-function mutations in this gene cause X-linked immunodeficiency with magnesium defect, Epstein-Barr virus infection, and neoplasia (XMEN disease). This variant, identified in the hemizygous state through germline clinical testing, is novel and absent from population databases. Its predicted impact on protein function and alignment with known pathogenic mechanisms support its classification as pathogenic. Sanger sequencing confirmed variant presence.

NM_001367916.1(MAGT1):c.493C>T (p.Gln165Ter)

Gene: MAGT1 (magnesium transporter 1; minus strand). Cytogenetic location: Xq21.1.
Variant type: single nucleotide variant.
Coding change: c.493C>T on transcript NM_001367916.1 (MANE Select); coding-DNA position 493, C replaced by T.
Protein change: p.Gln165Ter; replaces glutamine 165 with a stop codon.
Molecular consequence: nonsense.
Genome position (GRCh38, 1-based): chrX:77,857,395, G>A on the plus strand (C>T on the coding strand, the complement: MAGT1 is on the minus strand). VCF-style: chrX-77857395-G-A. GRCh37 (hg19) VCF-style: chrX-77112892-G-A.
Other names: c.589C>T, p.Gln197Ter (NM_032121.5); short protein forms Q165*, Q197*.
Identifiers: ClinVar variation 4071550 (VCV004071550.1).
Genomic context (GRCh38, chrX:77,857,395, plus strand): 5'-TCTACATAGTTGGGAAACTTACATTGACATCAGTTCTGTCGGCGATCCACCGGGCAATCT[G>A]CTCAGCTGAAAAACCCCGCACCTGTAACTCATATGTATCACCCCGTTTGGGTTTCCCTTT-3'